The following is an entry in ClinVar:

NM_001048174.2(MUTYH):c.206G>C (p.Arg69Pro)

Gene: MUTYH (mutY DNA glycosylase; minus strand). Cytogenetic location: 1p34.1.
Variant type: single nucleotide variant.
Coding change: c.206G>C on transcript NM_001048174.2 (MANE Select); coding-DNA position 206, G replaced by C.
Protein change: p.Arg69Pro; replaces arginine 69 with proline.
Molecular consequence: missense variant. On other transcripts: 5 prime UTR variant (6), non-coding transcript variant (7).
Genome position (GRCh38, 1-based): chr1:45,333,471, C>G on the plus strand (G>C on the coding strand, the complement: MUTYH is on the minus strand). VCF-style: chr1-45333471-C-G. GRCh37 (hg19) VCF-style: chr1-45799143-C-G.
Other names: c.206G>C, p.Arg69Pro (NM_001048171.2, NM_001048173.2, NM_001293195.2 and 6 more transcripts); c.209G>C, p.Arg70Pro (NM_001048172.2, NM_001407071.1, NM_001407078.1 and 2 more transcripts); c.290G>C, p.Arg97Pro (NM_001128425.2); c.251G>C, p.Arg84Pro (NM_001293190.2); c.239G>C, p.Arg80Pro (NM_001293191.2, NM_001407077.1); c.-71G>C (NM_001293192.2, NM_001293196.2, NM_001407091.1); c.-66G>C (NM_001350650.2, NM_001350651.2, NM_001407082.1); c.281G>C, p.Arg94Pro (NM_001407069.1, NM_012222.3); and 3 more; short protein forms R69P, R76P, R41P, R84P, R97P, R80P, R83P, R70P.
Identifiers: ClinVar variation 4722922 (VCV004722922.2).

ClinVar aggregate classification (germline): Conflicting classifications of pathogenicity. Review status: criteria provided, conflicting classifications (1 of 4 stars). 2 submissions from 2 submitters: Likely pathogenic (1); Uncertain significance (1). Last evaluated 2026-07-23.

Conditions:
Familial adenomatous polyposis 2. Also called: COLORECTAL ADENOMATOUS POLYPOSIS, AUTOSOMAL RECESSIVE; ADENOMAS, MULTIPLE COLORECTAL, AUTOSOMAL RECESSIVE; FAP type 2; MYH-associated polyposis; MUTYH-associated polyposis; MUTYH-related attenuated familial adenomatous polyposis. Identifiers: Orphanet 220460, Orphanet 247798, MedGen C3272841, MONDO:0012041, OMIM 608456.
Hereditary cancer-predisposing syndrome. Also called: Hereditary Cancer Syndrome; Hereditary neoplastic syndrome; Neoplastic Syndromes, Hereditary; Tumor predisposition. Identifiers: Orphanet 140162, MedGen C0027672, MeSH D009386, MONDO:0015356.

Submissions (2):

Ambry Genetics
Classification: Likely pathogenic for Hereditary cancer-predisposing syndrome. Last evaluated: 2026-07-23. Review status: criteria provided, single submitter. Criteria: Ambry Variant Classification Scheme 2023. Collection method: clinical testing. Allele origin: germline.
Comment: The p.R97P variant (also known as c.290G>C), located in coding exon 3 of the MUTYH gene, results from a G to C substitution at nucleotide position 290. The arginine at codon 97 is replaced by proline, an amino acid with dissimilar properties. In a massively parallel cell-based functional assay testing 7,8-dihydro-8-oxoguanine:adenine (8OG:A) repair activity, a byproduct of oxidative damage, this variant was reported to be non-functional (Hemker SL et al. Am J Hum Genet, 2025 Sep;112:2010-2026). This variant is considered to be rare based on population cohorts in the Genome Aggregation Database (gnomAD). This amino acid position is well conserved in available vertebrate species. In addition, this alteration is predicted to be deleterious by in silico analysis. Based on the majority of available evidence to date, this variant is likely to be pathogenic.

Labcorp Genetics (formerly Invitae), Labcorp
Classification: Uncertain significance for Familial adenomatous polyposis 2. Last evaluated: 2025-07-09. Review status: criteria provided, single submitter. Criteria: Invitae Variant Classification Sherloc (09022015). Collection method: clinical testing. Allele origin: germline.
Comment: This sequence change replaces arginine, which is basic and polar, with proline, which is neutral and non-polar, at codon 97 of the MUTYH protein (p.Arg97Pro). This variant is not present in population databases (gnomAD no frequency). This variant has not been reported in the literature in individuals affected with MUTYH-related conditions. An algorithm developed to predict the effect of missense changes on protein structure and function (PolyPhen-2) suggests that this variant is likely to be disruptive. In summary, the available evidence is currently insufficient to determine the role of this variant in disease. Therefore, it has been classified as a Variant of Uncertain Significance.

Literature cited by the submitters: PubMed 40738107 (cited by Ambry Genetics).